The following is an entry in ClinVar:

ClinVar aggregate classification (germline): Uncertain significance (1 of 4 stars; one submission).

Conditions:
Kabuki syndrome. Also called: Kabuki make-up syndrome; NIIKAWA-KUROKI SYNDROME. Identifiers: Orphanet 2322, MedGen C0796004, MONDO:0016512.

Allele frequency attached by ClinVar (database versions not stated): TOPMed 0.00001; gnomAD exomes 0.00002.
gnomAD v4.1: 34 of 1,612,004 alleles (0.0021%); highest among the groups gnomAD compares: Non-Finnish European, 0.0028%; no homozygotes.

Submission:

Labcorp Genetics (formerly Invitae), Labcorp
Classification: Uncertain significance for Kabuki syndrome. Last evaluated: 2025-09-10. Review status: criteria provided, single submitter. Criteria: Invitae Variant Classification Sherloc (09022015). Collection method: clinical testing. Allele origin: germline.
Comment: This sequence change replaces glutamine, which is neutral and polar, with arginine, which is basic and polar, at codon 2702 of the KMT2D protein (p.Gln2702Arg). This variant is not present in population databases (gnomAD no frequency). This variant has not been reported in the literature in individuals affected with KMT2D-related conditions. ClinVar contains an entry for this variant (Variation ID: 3017033). Invitae Evidence Modeling of protein sequence and biophysical properties (such as structural, functional, and spatial information, amino acid conservation, physicochemical variation, residue mobility, and thermodynamic stability) has been performed for this missense variant. However, the output from this modeling did not meet the statistical confidence thresholds required to predict the impact of this variant on KMT2D protein function. In summary, the available evidence is currently insufficient to determine the role of this variant in disease. Therefore, it has been classified as a Variant of Uncertain Significance.

NM_003482.4(KMT2D):c.8105A>G (p.Gln2702Arg)

Gene: KMT2D (lysine methyltransferase 2D; minus strand). Cytogenetic location: 12q13.12.
Variant type: single nucleotide variant.
Coding change: c.8105A>G on transcript NM_003482.4 (MANE Select); coding-DNA position 8105, A replaced by G.
Protein change: p.Gln2702Arg; replaces glutamine 2702 with arginine.
Molecular consequence: missense variant.
Genome position (GRCh38, 1-based): chr12:49,039,559, T>C on the plus strand (A>G on the coding strand, the complement: KMT2D is on the minus strand). VCF-style: chr12-49039559-T-C. GRCh37 (hg19) VCF-style: chr12-49433342-T-C.
Other names: short protein forms Q2702R.
Identifiers: ClinVar variation 3017033 (VCV003017033.3), dbSNP rs1943386554, ClinGen allele CA384744130.